The following is an entry in ClinVar:

NM_001037333.3(CYFIP2):c.592A>G (p.Met198Val)

Gene: CYFIP2 (cytoplasmic FMR1 interacting protein 2; plus strand). Cytogenetic location: 5q33.3.
Variant type: single nucleotide variant.
Coding change: c.592A>G on transcript NM_001037333.3 (MANE Select); coding-DNA position 592, A replaced by G.
Protein change: p.Met198Val; replaces methionine 198 with valine.
Molecular consequence: missense variant.
Genome position (GRCh38, 1-based): chr5:157,302,816, A>G. VCF-style: chr5-157302816-A-G. GRCh37 (hg19) VCF-style: chr5-156729824-A-G.
Other names: c.514A>G, p.Met172Val (NM_001291721.2); c.592A>G, p.Met198Val (NM_001291722.2, NM_014376.4); short protein forms M172V, M198V.
Identifiers: ClinVar variation 3371368 (VCV003371368.1).

ClinVar aggregate classification (germline): Uncertain significance (1 of 4 stars; one submission).

Submission:

GeneDx
Classification: Uncertain significance. Last evaluated: 2024-03-21. Review status: criteria provided, single submitter. Criteria: GeneDx Variant Classification Process June 2021. Collection method: clinical testing. Allele origin: germline. Affected: yes.
Comment: Not observed at significant frequency in large population cohorts (gnomAD); In silico analysis supports that this missense variant does not alter protein structure/function; Has not been previously published as pathogenic or benign to our knowledge